The following is an entry in ClinVar:

NM_002076.4(GNS):c.1658A>G (p.Ter553Trp)

Gene: GNS (glucosamine (N-acetyl)-6-sulfatase; minus strand). Cytogenetic location: 12q14.3.
Variant type: single nucleotide variant.
Coding change: c.1658A>G on transcript NM_002076.4 (MANE Select); coding-DNA position 1658, A replaced by G.
Protein change: p.Ter553Trp.
Molecular consequence: stop lost.
Genome position (GRCh38, 1-based): chr12:64,716,742, T>C on the plus strand (A>G on the coding strand, the complement: GNS is on the minus strand). VCF-style: chr12-64716742-T-C. GRCh37 (hg19) VCF-style: chr12-65110522-T-C.
Identifiers: ClinVar variation 1427123 (VCV001427123.5), dbSNP rs766745346, ClinGen allele CA6669612.
Genomic context (GRCh38, chr12:64,716,742, plus strand): 5'-CAATCACTTCATCAGAAAGAGGCGTGCAGGGATCCATCTGCAGAGGCTGTGTGAGGTCGC[T>C]ACAGAAGATGTTTGGAAAATCTTCGAGTCCTGACACTGCCGCGATTGCTGAACATGAGAC-3'

ClinVar aggregate classification (germline): Uncertain significance (1 of 4 stars; one submission).

Conditions:
Mucopolysaccharidosis, MPS-III-D (MPS3D). Also called: N-ACETYLGLUCOSAMINE-6-SULFATASE DEFICIENCY; SANFILIPPO SYNDROME D; MPS III D; Mucopoly-saccharidosis type 3D; N-acetylglucosamine-6-sulfate sulfatase deficiency; MPS 3D. Identifiers: Orphanet 581, Orphanet 79272, MedGen C0086650, MONDO:0009658, OMIM 252940.

Allele frequency attached by ClinVar (database versions not stated): ExAC 0.00003; TOPMed below 0.00001; gnomAD exomes 0.00001 and 0.00003; gnomAD 0.00001.
gnomAD v4.1: 9 of 1,598,322 alleles (0.00056%); highest among the groups gnomAD compares: Admixed American, 0.012%; no homozygotes.

Submission:

Labcorp Genetics (formerly Invitae), Labcorp
Classification: Uncertain significance for Mucopolysaccharidosis, MPS-III-D. Last evaluated: 2022-06-24. Review status: criteria provided, single submitter. Criteria: Invitae Variant Classification Sherloc (09022015). Collection method: clinical testing. Allele origin: germline.
Comment: This sequence change disrupts the translational stop signal of the GNS mRNA. It is expected to extend the length of the GNS protein by 16 additional amino acid residues. This variant is present in population databases (rs766745346, gnomAD 0.01%). This variant has not been reported in the literature in individuals affected with GNS-related conditions. Experimental studies and prediction algorithms are not available or were not evaluated, and the functional significance of this variant is currently unknown. In summary, the available evidence is currently insufficient to determine the role of this variant in disease. Therefore, it has been classified as a Variant of Uncertain Significance.